The following is an entry in ClinVar:

NM_003324.5(TULP3):c.612T>G (p.Cys204Trp)

Gene: TULP3 (TUB like protein 3; plus strand). Cytogenetic location: 12p13.33.
Variant type: single nucleotide variant.
Coding change: c.612T>G on transcript NM_003324.5 (MANE Select); coding-DNA position 612, T replaced by G.
Protein change: p.Cys204Trp; replaces cysteine 204 with tryptophan.
Molecular consequence: missense variant.
Genome position (GRCh38, 1-based): chr12:2,931,156, T>G. VCF-style: chr12-2931156-T-G. GRCh37 (hg19) VCF-style: chr12-3040322-T-G.
Other names: TULP3, CYS204TRP (rs547315819); c.612T>G (NM_001160408.1); c.612T>G, p.Cys204Trp (NM_001160408.2); short protein forms C204W.
Identifiers: ClinVar variation 1687114 (VCV001687114.10), dbSNP rs547315819, ClinGen allele CA6392666.

ClinVar aggregate classification (germline): Conflicting classifications of pathogenicity. Review status: criteria provided, conflicting classifications (1 of 4 stars). 4 submissions from 4 submitters: Likely pathogenic (1); Uncertain significance (2). 1 of the submissions does not count toward it. Last evaluated 2026-08-11.

Conditions:
Inborn genetic diseases. Identifiers: MedGen C0950123, MeSH D030342.
TULP3-related condition.
Hepatorenocardiac degenerative fibrosis. Identifiers: MedGen C5676996, MONDO:0859254, OMIM 619902.

Allele frequency attached by ClinVar (database versions not stated): ExAC 0.00005; gnomAD exomes 0.00007 and 0.00016; TOPMed 0.00008; gnomAD 0.00009.

Submissions (4):

PreventionGenetics, part of Exact Sciences
Classification: Uncertain significance for TULP3-related condition. Last evaluated: 2026-08-11. Review status: criteria provided, single submitter. Criteria: ACMG Guidelines, 2015. Collection method: clinical testing. Allele origin: germline.
Comment: The TULP3 c.612T>G variant is predicted to result in the amino acid substitution p.Cys204Trp. This variant has been reported with a second TULP3 deletion in two siblings with features of hepatorenocardiac degenerative fibrosis (Devane et al. 2022. PubMed ID: 35397207). This variant is reported in 0.012% of alleles in individuals of European (non-Finnish) descent in gnomAD. Although we suspect this variant could be pathogenic, at this time, the clinical significance of this variant is uncertain due to the absence of conclusive functional and genetic evidence.

CeGaT Center for Human Genetics Tuebingen
Classification: Likely pathogenic. Last evaluated: 2025-12-01. Review status: criteria provided, single submitter. Criteria: CeGaT Center For Human Genetics Tuebingen Variant Classification Criteria Version 2. Collection method: clinical testing. Allele origin: germline. Affected: yes. Observed: 1 variant allele.
Comment: TULP3: PM3:Strong, PM2, PP3

Ambry Genetics
Classification: Uncertain significance for Inborn genetic diseases. Last evaluated: 2025-11-24. Review status: criteria provided, single submitter. Criteria: Ambry Variant Classification Scheme 2023. Collection method: clinical testing. Allele origin: germline.

OMIM
Classification: Pathogenic for HEPATORENOCARDIAC DEGENERATIVE FIBROSIS. Last evaluated: 2022-05-27. Review status: no assertion criteria provided. Collection method: literature only. Allele origin: germline. Not counted in ClinVar's aggregate classification.

Literature cited by the submitters: PubMed 35397207 (cited by OMIM).